The following is an entry in ClinVar:

NM_004999.4(MYO6):c.3764G>A (p.Arg1255His)

Gene: MYO6 (myosin VI; plus strand). Cytogenetic location: 6q14.1.
Variant type: single nucleotide variant.
Coding change: c.3764G>A on transcript NM_004999.4 (MANE Select); coding-DNA position 3764, G replaced by A.
Protein change: p.Arg1255His; replaces arginine 1255 with histidine.
Molecular consequence: missense variant. On other transcripts: non-coding transcript variant (1).
Genome position (GRCh38, 1-based): chr6:75,914,918, G>A. VCF-style: chr6-75914918-G-A. GRCh37 (hg19) VCF-style: chr6-76624635-G-A.
Other names: c.3695G>A, p.Arg1232His (NM_001300899.2); c.3668G>A, p.Arg1223His (NM_001368136.1); c.3725G>A, p.Arg1242His (NM_001368137.1); c.3680G>A, p.Arg1227His (NM_001368138.1); c.3791G>A, p.Arg1264His (NM_001368865.1); c.3764G>A, p.Arg1255His (NM_001368866.1); short protein forms R1223H, R1227H, R1232H, R1242H, R1255H, R1264H.
Identifiers: ClinVar variation 1064888 (VCV001064888.5), dbSNP rs751099407, ClinGen allele CA3897810.

ClinVar aggregate classification (germline): Uncertain significance. Review status: criteria provided, multiple submitters, no conflicts (2 of 4 stars). 2 submissions from 2 submitters: Uncertain significance (2). Last evaluated 2021-04-12.

Conditions:
Hearing impairment. Also called: Impaired Hearing. Identifiers: MedGen C1384666, MONDO:0005365, HP:0000365.

Allele frequency attached by ClinVar (database versions not stated): ExAC 0.00004.
gnomAD v4.1: 23 of 1,614,116 alleles (0.0014%); highest among the groups gnomAD compares: South Asian, 0.0088%; no homozygotes.

Submissions (2):

Department of Otolaryngology – Head & Neck Surgery, Cochlear Implant Center
Classification: Uncertain significance for Hearing impairment. Last evaluated: 2021-04-12. Review status: criteria provided, single submitter. Criteria: ClinGen HL ACMG Specifications v1. Collection method: clinical testing. Allele origin: germline. Affected: yes.
Comment: PP3_Supporting, BS2_Strong

GeneDx
Classification: Uncertain significance. Last evaluated: 2019-12-30. Review status: criteria provided, single submitter. Criteria: GeneDx Variant Classification Process June 2021. Collection method: clinical testing. Allele origin: germline. Affected: yes.
Comment: In silico analysis, which includes protein predictors and evolutionary conservation, supports a deleterious effect; Has not been previously published as pathogenic or benign to our knowledge